The following is an entry in ClinVar:

NM_006231.4(POLE):c.4953-20_4953-3del

Gene: POLE (DNA polymerase epsilon, catalytic subunit; minus strand). Cytogenetic location: 12q24.33.
Variant type: Deletion.
Coding change: c.4953-20_4953-3del on transcript NM_006231.4 (MANE Select); 20 bases into the intron before coding-DNA position 4953 through 3 bases into the intron before coding-DNA position 4953, 18 bases deleted (TGACCTGTGCCCTGGTGC).
Molecular consequence: intron variant.
Genome position (GRCh38, 1-based): chr12:132,642,400-132,642,417, GCACCAGGGCACAGGTCA deleted on the plus strand (TGACCTGTGCCCTGGTGC on the coding strand, the reverse complement: POLE is on the minus strand); deleting any 18 consecutive bases within chr12:132,642,400-132,642,422 gives the same sequence; the c. name uses the placement nearest the transcript's 3' end. VCF-style (leftmost placement, unchanged base first): chr12-132642399-TGCACCAGGGCACAGGTCA-T. GRCh37 (hg19) VCF-style: chr12-133218985-TGCACCAGGGCACAGGTCA-T.
Identifiers: ClinVar variation 2710274 (VCV002710274.3), dbSNP rs2541884885, ClinGen allele CA2697551574.
Genomic context (GRCh38, chr12:132,642,399, plus strand): 5'-GGTCGGAGCCGAATGTGGAGATGTCCTCTGGTAGGTTCCCAATGGGAATGTGAAAGTACC[TGCACCAGGGCACAGGTCA>T]GCACCGGGGCACATCGCCGGGTCACAGAGACCACCGAGGCCGGCTCTGCCTGGGGACCAC-3'

ClinVar aggregate classification (germline): Uncertain significance (1 of 4 stars; one submission).

Submission:

Labcorp Genetics (formerly Invitae), Labcorp
Classification: Uncertain significance. Last evaluated: 2025-07-21. Review status: criteria provided, single submitter. Criteria: Invitae Variant Classification Sherloc (09022015). Collection method: clinical testing. Allele origin: germline.
Comment: This sequence change falls in intron 37 of the POLE gene. It does not directly change the encoded amino acid sequence of the POLE protein. It affects a nucleotide within the consensus splice site. This variant is not present in population databases (gnomAD no frequency). This variant has not been reported in the literature in individuals affected with POLE-related conditions. ClinVar contains an entry for this variant (Variation ID: 2710274). Variants that disrupt the consensus splice site are a relatively common cause of aberrant splicing (PMID: 17576681, 9536098). Experimental studies and prediction algorithms are not available or were not evaluated, and the effect of this variant on mRNA splicing is currently unknown. In summary, the available evidence is currently insufficient to determine the role of this variant in disease. Therefore, it has been classified as a Variant of Uncertain Significance.

Literature cited by the submitters: PubMed 17576681; PubMed 9536098.